The following is an entry in ClinVar:

ClinVar aggregate classification (germline): Uncertain significance. Review status: criteria provided, multiple submitters, no conflicts (2 of 4 stars). 2 submissions from 2 submitters: Uncertain significance (2). Last evaluated 2024-01-17.

Conditions:
Inborn genetic diseases. Identifiers: MedGen C0950123, MeSH D030342.

Allele frequency attached by ClinVar (database versions not stated): gnomAD exomes below 0.00001; TOPMed below 0.00001; ExAC 0.00001; gnomAD 0.00001; ESP Exome Variant Server 0.00008.
gnomAD v4.1: 3 of 1,613,184 alleles (0.00019%); highest among the groups gnomAD compares: Non-Finnish European, 0.00025%; no homozygotes.

Submissions (2):

Ambry Genetics
Classification: Uncertain significance for Inborn genetic diseases. Last evaluated: 2024-01-17. Review status: criteria provided, single submitter. Criteria: Ambry Variant Classification Scheme 2023. Collection method: clinical testing. Allele origin: germline.

Labcorp Genetics (formerly Invitae), Labcorp
Classification: Uncertain significance. Last evaluated: 2023-05-13. Review status: criteria provided, single submitter. Criteria: Invitae Variant Classification Sherloc (09022015). Collection method: clinical testing. Allele origin: germline.
Comment: In summary, the available evidence is currently insufficient to determine the role of this variant in disease. Therefore, it has been classified as a Variant of Uncertain Significance. Advanced modeling of protein sequence and biophysical properties (such as structural, functional, and spatial information, amino acid conservation, physicochemical variation, residue mobility, and thermodynamic stability) performed at Invitae indicates that this missense variant is not expected to disrupt LONP1 protein function. This variant has not been reported in the literature in individuals affected with LONP1-related conditions. This variant is present in population databases (rs377394745, gnomAD 0.002%). This sequence change replaces glutamic acid, which is acidic and polar, with glycine, which is neutral and non-polar, at codon 929 of the LONP1 protein (p.Glu929Gly).

NM_004793.4(LONP1):c.2786A>G (p.Glu929Gly)

Gene: LONP1 (lon peptidase 1, mitochondrial; minus strand). Cytogenetic location: 19p13.3.
Variant type: single nucleotide variant.
Coding change: c.2786A>G on transcript NM_004793.4 (MANE Select); coding-DNA position 2786, A replaced by G.
Protein change: p.Glu929Gly; replaces glutamic acid 929 with glycine.
Molecular consequence: missense variant. On other transcripts: non-coding transcript variant (1).
Genome position (GRCh38, 1-based): chr19:5,692,126, T>C on the plus strand (A>G on the coding strand, the complement: LONP1 is on the minus strand). VCF-style: chr19-5692126-T-C. GRCh37 (hg19) VCF-style: chr19-5692137-T-C.
Other names: c.2786A>G (NM_004793.2); c.2594A>G, p.Glu865Gly (NM_001276479.2); c.2198A>G, p.Glu733Gly (NM_001276480.1); short protein forms E865G, E929G, E733G.
Identifiers: ClinVar variation 2978031 (VCV002978031.4), dbSNP rs377394745, ClinGen allele CA9113955.